The following is an entry in ClinVar:

NM_178857.6(RP1L1):c.2770G>A (p.Glu924Lys)

Gene: RP1L1 (RP1 like 1). Cytogenetic location: 8p23.1.
Variant type: single nucleotide variant.
Coding change: c.2770G>A on transcript NM_178857.6 (MANE Select); coding-DNA position 2770, G replaced by A.
Protein change: p.Glu924Lys; replaces glutamic acid 924 with lysine.
Molecular consequence: missense variant.
Genome position (GRCh38, 1-based): chr8:10,611,328, C>T on the plus strand (G>A on the coding strand, the complement: RP1L1 is on the minus strand). VCF-style: chr8-10611328-C-T. GRCh37 (hg19) VCF-style: chr8-10468838-C-T.
Other names: short protein forms E924K.
Identifiers: ClinVar variation 4985289 (VCV004985289.1).
Genomic context (GRCh38, chr8:10,611,328, plus strand): 5'-ACACACCACTGGCCTCCTCCTGCCCCTGGGGGCCTCCCCCACTCCTCAAGGTCTTCTCCT[C>T]GGACAGCCCCCGAGACCCCGCACCCTGGCTGGCACTGCTTCTCCTTGATGCCCCTGAATT-3'
Protein context (NP_849188.4, residues 914-934): SQGAGSRGLS[Glu924Lys]EKTLRSGGGP

ClinVar aggregate classification (germline): Uncertain significance (1 of 4 stars; one submission).

Conditions:
RP1L1-related disorder. Also called: RP1L1-related condition.

gnomAD v4.1: 11 of 1,612,652 alleles (0.00068%); highest among the groups gnomAD compares: Admixed American, 0.0067%; no homozygotes.

Submission:

PreventionGenetics, part of Exact Sciences
Classification: Uncertain significance for RP1L1-related condition. Last evaluated: 2026-02-10. Review status: criteria provided, single submitter. Criteria: ACMG Guidelines, 2015. Collection method: clinical testing. Allele origin: germline.
Comment: The RP1L1 c.2770G>A variant is predicted to result in the amino acid substitution p.Glu924Lys. To our knowledge, this variant has not been reported in the literature. This variant is present in 0.015% of alleles in individuals of Latino descent in gnomAD. At this time, the clinical significance of this variant is uncertain due to the absence of conclusive functional and genetic evidence.